The following is an entry in ClinVar:

NM_199420.4(POLQ):c.3831A>C (p.Lys1277Asn)

Gene: POLQ (DNA polymerase theta; minus strand). Cytogenetic location: 3q13.33.
Variant type: single nucleotide variant.
Coding change: c.3831A>C on transcript NM_199420.4 (MANE Select); coding-DNA position 3831, A replaced by C.
Protein change: p.Lys1277Asn; replaces lysine 1277 with asparagine.
Molecular consequence: missense variant.
Genome position (GRCh38, 1-based): chr3:121,489,100, T>G on the plus strand (A>C on the coding strand, the complement: POLQ is on the minus strand). VCF-style: chr3-121489100-T-G. GRCh37 (hg19) VCF-style: chr3-121207947-T-G.
Other names: short protein forms K1277N.
Identifiers: ClinVar variation 1735352 (VCV001735352.3), dbSNP rs200189836, ClinGen allele CA2562999.

ClinVar aggregate classification (germline): Uncertain significance (1 of 4 stars; one submission).

Allele frequency attached by ClinVar (database versions not stated): gnomAD exomes 0.00008; ESP Exome Variant Server 0.00015; gnomAD 0.00015; TOPMed 0.00015; ExAC 0.00016; 1000 Genomes Project 0.00020; 1000 Genomes Project 30x 0.00031.
gnomAD v4.1: 143 of 1,613,924 alleles (0.0089%); highest among the groups gnomAD compares: Admixed American, 0.022%; no homozygotes.

Submission:

Ambry Genetics
Classification: Uncertain significance. Last evaluated: 2024-10-21. Review status: criteria provided, single submitter. Criteria: Ambry Variant Classification Scheme 2023. Collection method: clinical testing. Allele origin: germline.
Comment: The p.K1277N variant (also known as c.3831A>C), located in coding exon 16 of the POLQ gene, results from an A to C substitution at nucleotide position 3831. The lysine at codon 1277 is replaced by asparagine, an amino acid with similar properties. This amino acid position is conserved. In addition, this alteration is predicted to be tolerated by in silico analysis. Since supporting evidence is limited at this time, the clinical significance of this alteration remains unclear.